The following is an entry in ClinVar:

ClinVar aggregate classification (germline): Likely benign. Review status: criteria provided, single submitter (1 of 4 stars). 2 submissions from 2 submitters: Likely benign (1). 1 of the submissions does not count toward it. Last evaluated 2022-12-17.

Conditions:
Dilated cardiomyopathy 1CC (CMD1CC). Identifiers: Orphanet 154, MedGen C2751084, MONDO:0013147, OMIM 613122.
Hypertrophic cardiomyopathy 20. Identifiers: MedGen C3151267, MONDO:0013477, OMIM 613876.
NEXN-related disorder. Also called: NEXN-related condition; NEXN-related disorders.

Allele frequency attached by ClinVar (database versions not stated): gnomAD exomes below 0.00001.
gnomAD v4.1: 2 of 1,610,850 alleles (0.00012%); highest among the groups gnomAD compares: East Asian, 0.0022%; no homozygotes.

Submissions (2):

Labcorp Genetics (formerly Invitae), Labcorp
Classification: Likely benign for Dilated cardiomyopathy 1CC; Hypertrophic cardiomyopathy 20. Last evaluated: 2022-12-17. Review status: criteria provided, single submitter. Criteria: Invitae Variant Classification Sherloc (09022015). Collection method: clinical testing. Allele origin: germline.

PreventionGenetics, part of Exact Sciences
Classification: Likely benign for NEXN-related condition. Last evaluated: 2023-12-05. Review status: no assertion criteria provided. Collection method: clinical testing. Allele origin: germline. Not counted in ClinVar's aggregate classification.
Comment: This variant is classified as likely benign based on ACMG/AMP sequence variant interpretation guidelines (Richards et al. 2015 PMID: 25741868, with internal and published modifications).

NM_144573.4(NEXN):c.1231C>T (p.Leu411=)

Gene: NEXN (nexilin F-actin binding protein; plus strand). Cytogenetic location: 1p31.1.
Variant type: single nucleotide variant.
Coding change: c.1231C>T on transcript NM_144573.4 (MANE Select); coding-DNA position 1231, C replaced by T.
Protein change: p.Leu411=; no amino-acid change (leucine 411 retained).
Molecular consequence: synonymous variant.
Genome position (GRCh38, 1-based): chr1:77,933,459, C>T. VCF-style: chr1-77933459-C-T. GRCh37 (hg19) VCF-style: chr1-78399144-C-T.
Other names: c.1039C>T, p.Leu347= (NM_001172309.2).
Identifiers: ClinVar variation 2929299 (VCV002929299.5), dbSNP rs1457353436, ClinGen allele CA418572124.